The following is an entry in ClinVar:

ClinVar aggregate classification (germline): Uncertain significance (1 of 4 stars; one submission).

Conditions:
Hereditary sensory and autonomic neuropathy type 7. Also called: HSAN VII; Neuropathy, hereditary sensory and autonomic, type VII. Identifiers: Orphanet 391397, MedGen C3809882, MONDO:0014244, OMIM 615548.
Familial episodic pain syndrome with predominantly lower limb involvement. Also called: Episodic pain syndrome, familial, 3. Identifiers: Orphanet 391384, Orphanet 391392, MedGen C3809899, MONDO:0014247, OMIM 615552.

Allele frequency attached by ClinVar (database versions not stated): gnomAD exomes below 0.00001; TOPMed below 0.00001.
gnomAD v4.1: 1 of 1,614,188 alleles (0.000062%); highest among the groups gnomAD compares: African/African-American, 0.0013%; no homozygotes.

Submission:

Labcorp Genetics (formerly Invitae), Labcorp
Classification: Uncertain significance for Familial episodic pain syndrome with predominantly lower limb involvement; Hereditary sensory and autonomic neuropathy type 7. Last evaluated: 2023-09-27. Review status: criteria provided, single submitter. Criteria: Invitae Variant Classification Sherloc (09022015). Collection method: clinical testing. Allele origin: germline.
Comment: This sequence change replaces aspartic acid, which is acidic and polar, with glycine, which is neutral and non-polar, at codon 1529 of the SCN11A protein (p.Asp1529Gly). This variant is not present in population databases (gnomAD no frequency). This variant has not been reported in the literature in individuals affected with SCN11A-related conditions. Advanced modeling of protein sequence and biophysical properties (such as structural, functional, and spatial information, amino acid conservation, physicochemical variation, residue mobility, and thermodynamic stability) performed at Invitae indicates that this missense variant is expected to disrupt SCN11A protein function. In summary, the available evidence is currently insufficient to determine the role of this variant in disease. Therefore, it has been classified as a Variant of Uncertain Significance.

NM_001349253.2(SCN11A):c.4586A>G (p.Asp1529Gly)

Gene: SCN11A (sodium voltage-gated channel alpha subunit 11; minus strand). Cytogenetic location: 3p22.2.
Variant type: single nucleotide variant.
Coding change: c.4586A>G on transcript NM_001349253.2 (MANE Select); coding-DNA position 4586, A replaced by G.
Protein change: p.Asp1529Gly; replaces aspartic acid 1529 with glycine.
Molecular consequence: missense variant.
Genome position (GRCh38, 1-based): chr3:38,847,484, T>C on the plus strand (A>G on the coding strand, the complement: SCN11A is on the minus strand). VCF-style: chr3-38847484-T-C. GRCh37 (hg19) VCF-style: chr3-38888975-T-C.
Other names: c.4586A>G, p.Asp1529Gly (NM_014139.3); short protein forms D1529G.
Identifiers: ClinVar variation 2938426 (VCV002938426.3), dbSNP rs2064692720, ClinGen allele CA352163316.